The following is an entry in ClinVar:

NM_000088.4(COL1A1):c.1456G>A (p.Glu486Lys)

Gene: COL1A1 (collagen type I alpha 1 chain; minus strand). Cytogenetic location: 17q21.33.
Variant type: single nucleotide variant.
Coding change: c.1456G>A on transcript NM_000088.4 (MANE Select); coding-DNA position 1456, G replaced by A.
Protein change: p.Glu486Lys; replaces glutamic acid 486 with lysine.
Molecular consequence: missense variant.
Genome position (GRCh38, 1-based): chr17:50,194,726, C>T on the plus strand (G>A on the coding strand, the complement: COL1A1 is on the minus strand). VCF-style: chr17-50194726-C-T. GRCh37 (hg19) VCF-style: chr17-48272087-C-T.
Other names: short protein forms E486K.
Identifiers: ClinVar variation 547227 (VCV000547227.5), dbSNP rs1171968124, ClinGen allele CA400217610.

ClinVar aggregate classification (germline): Uncertain significance. Review status: criteria provided, multiple submitters, no conflicts (2 of 4 stars). 3 submissions from 3 submitters: Uncertain significance (3). Last evaluated 2023-10-17.

Conditions:
Connective tissue disorder. Also called: Connective tissue disease. Identifiers: MedGen C0009782, MONDO:0003900.
Osteogenesis imperfecta type I (OI1). Also called: Lobstein disease; OI, TYPE I; OSTEOGENESIS IMPERFECTA TARDA; OSTEOGENESIS IMPERFECTA WITH BLUE SCLERAE; Osteogenesis imperfecta type 1; Classic Non-deforming Osteogenesis Imperfecta with Blue Sclerae. Identifiers: Orphanet 216796, Orphanet 666, MedGen C0023931, MONDO:0008146, OMIM 166200. Disease mechanism: loss of function.

Allele frequency attached by ClinVar (database versions not stated): gnomAD exomes below 0.00001.
gnomAD v4.1: 1 of 1,566,704 alleles (0.000064%); highest among the groups gnomAD compares: Non-Finnish European, 0.000087%; no homozygotes.

Submissions (3):

Blueprint Genetics
Classification: Uncertain significance. Last evaluated: 2023-10-17. Review status: criteria provided, single submitter. Criteria: ACMG Guidelines, 2015. Collection method: clinical testing. Allele origin: germline.

Labcorp Genetics (formerly Invitae), Labcorp
Classification: Uncertain significance for Osteogenesis imperfecta type I. Last evaluated: 2022-11-29. Review status: criteria provided, single submitter. Criteria: Invitae Variant Classification Sherloc (09022015). Collection method: clinical testing. Allele origin: germline.
Comment: This variant has not been reported in the literature in individuals affected with COL1A1-related conditions. This variant is not present in population databases (gnomAD no frequency). This sequence change replaces glutamic acid, which is acidic and polar, with lysine, which is basic and polar, at codon 486 of the COL1A1 protein (p.Glu486Lys). ClinVar contains an entry for this variant (Variation ID: 547227). In summary, the available evidence is currently insufficient to determine the role of this variant in disease. Therefore, it has been classified as a Variant of Uncertain Significance. Advanced modeling of protein sequence and biophysical properties (such as structural, functional, and spatial information, amino acid conservation, physicochemical variation, residue mobility, and thermodynamic stability) has been performed at Invitae for this missense variant, however the output from this modeling did not meet the statistical confidence thresholds required to predict the impact of this variant on COL1A1 protein function.

Center for Human Genetics, Inc
Classification: Uncertain significance for Connective tissue disorder. Last evaluated: 2016-11-01. Review status: criteria provided, single submitter. Criteria: ACMG Guidelines, 2015. Collection method: clinical testing. Allele origin: germline. Affected: yes.